The following is an entry in ClinVar:

ClinVar aggregate classification (germline): Benign (0 of 4 stars; one submission).

Conditions:
PIK3C2B-related disorder. Also called: PIK3C2B-related condition.

Allele frequency attached by ClinVar (database versions not stated): ESP Exome Variant Server 0.02568; gnomAD 0.02987; TOPMed 0.03541; 1000 Genomes Project 0.04673; 1000 Genomes Project 30x 0.04888.

Submission:

PreventionGenetics, part of Exact Sciences
Classification: Benign for PIK3C2B-related condition. Last evaluated: 2024-04-16. Review status: no assertion criteria provided. Collection method: clinical testing. Allele origin: germline.
Comment: This variant is classified as benign based on ACMG/AMP sequence variant interpretation guidelines (Richards et al. 2015 PMID: 25741868, with internal and published modifications).

NM_001377334.1(PIK3C2B):c.3444C>T (p.Thr1148=)

Gene: PIK3C2B (phosphatidylinositol-4-phosphate 3-kinase catalytic subunit type 2 beta; minus strand). Cytogenetic location: 1q32.1.
Variant type: single nucleotide variant.
Coding change: c.3444C>T on transcript NM_001377334.1 (MANE Select); coding-DNA position 3444, C replaced by T.
Protein change: p.Thr1148=; no amino-acid change (threonine 1148 retained).
Molecular consequence: synonymous variant.
Genome position (GRCh38, 1-based): chr1:204,439,007, G>A on the plus strand (C>T on the coding strand, the complement: PIK3C2B is on the minus strand). VCF-style: chr1-204439007-G-A. GRCh37 (hg19) VCF-style: chr1-204408135-G-A.
Other names: c.3360C>T, p.Thr1120= (NM_001377335.1); c.3444C>T, p.Thr1148= (NM_002646.4).
Identifiers: ClinVar variation 3059686 (VCV003059686.2), dbSNP rs41302123, ClinGen allele CA1347410.
Genomic context (GRCh38, chr1:204,439,007, plus strand): 5'-GTCCTCCCCAGGGTTGTGTTTCTGCAGCCAGTCTGCCAGGGGCCGGTCCTTGAACGAGCC[G>A]GTCACCCCATGCTCCACCTGGATCTTACGCAGGGTCTCAGCATTAGGGATCATCTCCACC-3'
Protein context (NP_001364263.1, residues 1138-1158): LRKIQVEHGV[Thr1148=]GSFKDRPLAD